The following is an entry in ClinVar:

NM_000543.5(SMPD1):c.581dup (p.Ala195fs)

Gene: SMPD1 (sphingomyelin phosphodiesterase 1; plus strand). Cytogenetic location: 11p15.4.
Variant type: Duplication.
Coding change: c.581dup on transcript NM_000543.5 (MANE Select); coding-DNA position 581, one base duplicated (C; older notation c.581dupC).
Protein change: p.Ala195fs; shifts the reading frame from alanine 195.
Molecular consequence: frameshift variant. On other transcripts: 5 prime UTR variant (1), non-coding transcript variant (1).
Genome position (GRCh38, 1-based): chr11:6,391,646, C duplicated; the last of 6 consecutive C bases (chr11:6,391,641-6,391,646); duplicating any one gives the same sequence. VCF-style (leftmost placement, unchanged base first): chr11-6391640-G-GC. GRCh37 (hg19) VCF-style: chr11-6412870-G-GC.
Other names: c.581dupC (NM_000543.4, NM_000543.5); c.578dup, p.Ala194fs (NM_001007593.3); c.581dup, p.Ala195fs (NM_001318087.2, NM_001365135.2); c.-381dup (NM_001318088.2); short protein forms A194fs, A195fs.
Identifiers: ClinVar variation 553306 (VCV000553306.47), dbSNP rs748165078, ClinGen allele CA5852637.

ClinVar aggregate classification (germline): Pathogenic. Review status: criteria provided, multiple submitters, no conflicts (2 of 4 stars). 7 submissions from 7 submitters: Pathogenic (6). 1 of the submissions does not count toward it. Last evaluated 2026-03-02.

Conditions:
Niemann-Pick disease, type B. Also called: Chronic Visceral ASMD (Niemann-Pick Disease Type B; NPD-B). Identifiers: Orphanet 77293, MedGen C0268243, MONDO:0011871, OMIM 607616. Disease mechanism: loss of function.
Niemann-Pick disease, type A. Also called: Infantile Neurovisceral ASMD (Niemann-Pick Disease Type A; NPD-A); SPHINGOMYELIN LIPIDOSIS; SPHINGOMYELINASE DEFICIENCY. Identifiers: Orphanet 77292, MedGen C0268242, MONDO:0009756, OMIM 257200. Disease mechanism: loss of function.

Submissions (7):

Women's Health and Genetics/Laboratory Corporation of America, LabCorp
Classification: Pathogenic for Niemann-Pick disease, type A. Last evaluated: 2026-03-02. Review status: criteria provided, single submitter. Criteria: LabCorp Variant Classification Summary - May 2015. Collection method: clinical testing. Allele origin: germline.
Comment: Variant summary: SMPD1 c.581dupC (p.Ala195SerfsX14) results in a premature termination codon, predicted to cause a truncation of the encoded protein or absence of the protein due to nonsense mediated decay, which are commonly known mechanisms for disease. The frequency data for this variant in gnomAD is considered unreliable, as metrics indicate poor data quality at this position. c.581dupC has been observed in individuals affected with Niemann-Pick disease (e.g. Hu_2021). These data indicate that the variant is likely associated with disease. The following publication has been ascertained in the context of this evaluation (PMID: 33675270). ClinVar contains an entry for this variant (Variation ID: 553306). Based on the evidence outlined above, the variant was classified as pathogenic.

Baylor Genetics
Classification: Pathogenic for Niemann-Pick disease, type A. Last evaluated: 2024-03-08. Review status: criteria provided, single submitter. Criteria: ACMG Guidelines, 2015. Collection method: clinical testing. Allele origin: unknown.

Rare Genetic Disease Lab, Dept of Zoology, Government Postgraduate College Dargai Malakand, Higher Education Govt. of Khyber Pakhtunkhwa
Classification: Pathogenic for Niemann-Pick disease, type A. Last evaluated: 2024-03-04. Review status: criteria provided, single submitter. Criteria: ACMG Guidelines, 2015. Collection method: research. Allele origin: germline. Inheritance: Autosomal recessive inheritance. Affected: yes. Observed: 1 homozygote.

Labcorp Genetics (formerly Invitae), Labcorp
Classification: Pathogenic for Niemann-Pick disease, type B; Niemann-Pick disease, type A. Last evaluated: 2023-04-26. Review status: criteria provided, single submitter. Criteria: Invitae Variant Classification Sherloc (09022015). Collection method: clinical testing. Allele origin: germline.
Comment: This sequence change creates a premature translational stop signal (p.Ala195Serfs*14) in the SMPD1 gene. It is expected to result in an absent or disrupted protein product. Loss-of-function variants in SMPD1 are known to be pathogenic (PMID: 12369017, 15221801). The frequency data for this variant in the population databases is considered unreliable, as metrics indicate poor data quality at this position in the gnomAD database. This premature translational stop signal has been observed in individual(s) with Niemann-Pick disease (PMID: 33675270). ClinVar contains an entry for this variant (Variation ID: 553306). For these reasons, this variant has been classified as Pathogenic.

3billion
Classification: Pathogenic for Niemann-Pick disease, type A. Last evaluated: 2022-01-03. Review status: criteria provided, single submitter. Criteria: ACMG Guidelines, 2015. Collection method: clinical testing. Allele origin: germline. Affected: yes. Observed: 1 homozygote.
Comment: Frameshift: predicted to result in a loss or disruption of normal protein function through nonsense-mediated decay (NMD) or protein truncation. Multiple pathogenic variants are reported downstream of the variant (PVS1_VS). The variant has been reported at least twice as pathogenic/likely pathogenic with clinical assertions and evidence for the classification (ClinVar ID: VCV000553306, PMID:15241805).It is observed at an extremely low frequency in the gnomAD v2.1.1 dataset (total allele frequency: 0.000016, PM2_M). Therefore, this variant is classified as pathogenic according to the recommendation of ACMG/AMP guideline.

CeGaT Center for Human Genetics Tuebingen
Classification: Pathogenic. Last evaluated: 2020-10-01. Review status: criteria provided, single submitter. Criteria: CeGaT Center For Human Genetics Tuebingen Variant Classification Criteria Version 2. Collection method: clinical testing. Allele origin: germline. Affected: yes. Observed: 1 variant allele.

Counsyl
Classification: Likely pathogenic for Niemann-Pick disease, type A. Last evaluated: 2017-08-24. Review status: no assertion criteria provided. Collection method: clinical testing. Allele origin: unknown. Not counted in ClinVar's aggregate classification.

Literature cited by the submitters: PubMed 33675270 (cited by Women's Health and Genetics/Laboratory Corporation of America, LabCorp and Labcorp Genetics (formerly Invitae), Labcorp); PubMed 12369017 (cited by Labcorp Genetics (formerly Invitae), Labcorp); PubMed 15221801 (cited by Labcorp Genetics (formerly Invitae), Labcorp); PubMed 15241805 (cited by 3billion and Counsyl); PubMed 16010684 (cited by Counsyl).